The following is an entry in ClinVar:

ClinVar aggregate classification (germline): Uncertain significance (1 of 4 stars; one submission).

Conditions:
Epileptic encephalopathy. Identifiers: MedGen C0543888, HP:0200134.

Allele frequency attached by ClinVar (database versions not stated): gnomAD exomes below 0.00001.
gnomAD v4.1: 2 of 1,612,252 alleles (0.00012%); highest among the groups gnomAD compares: Non-Finnish European, 0.00017%; no homozygotes.

Submission:

Labcorp Genetics (formerly Invitae), Labcorp
Classification: Uncertain significance for Epileptic encephalopathy. Last evaluated: 2019-11-20. Review status: criteria provided, single submitter. Criteria: Invitae Variant Classification Sherloc (09022015). Collection method: clinical testing. Allele origin: germline.
Comment: In summary, the available evidence is currently insufficient to determine the role of this variant in disease. Therefore, it has been classified as a Variant of Uncertain Significance. Algorithms developed to predict the effect of missense changes on protein structure and function (SIFT, PolyPhen-2, Align-GVGD) all suggest that this variant is likely to be tolerated, but these predictions have not been confirmed by published functional studies and their clinical significance is uncertain. This variant has not been reported in the literature in individuals with FASN-related conditions. This variant is not present in population databases (ExAC no frequency). This sequence change replaces glycine with valine at codon 799 of the FASN protein (p.Gly799Val). The glycine residue is weakly conserved and there is a moderate physicochemical difference between glycine and valine.

NM_004104.5(FASN):c.2396G>T (p.Gly799Val)

Gene: FASN (fatty acid synthase; minus strand). Cytogenetic location: 17q25.3.
Variant type: single nucleotide variant.
Coding change: c.2396G>T on transcript NM_004104.5 (MANE Select); coding-DNA position 2396, G replaced by T.
Protein change: p.Gly799Val; replaces glycine 799 with valine.
Molecular consequence: missense variant.
Genome position (GRCh38, 1-based): chr17:82,088,785, C>A on the plus strand (G>T on the coding strand, the complement: FASN is on the minus strand). VCF-style: chr17-82088785-C-A. GRCh37 (hg19) VCF-style: chr17-80046661-C-A.
Other names: short protein forms G799V.
Identifiers: ClinVar variation 852142 (VCV000852142.9), dbSNP rs1380789811, ClinGen allele CA401557854.